The following is an entry in ClinVar:

ClinVar aggregate classification (germline): Uncertain significance. Review status: criteria provided, multiple submitters, no conflicts (2 of 4 stars). 2 submissions from 2 submitters: Uncertain significance (2). Last evaluated 2026-04-08.

Submissions (2):

GeneDx
Classification: Uncertain significance. Last evaluated: 2026-04-08. Review status: criteria provided, single submitter. Criteria: GeneDx Variant Classification Process June 2021. Collection method: clinical testing. Allele origin: germline.
Comment: Not observed at significant frequency in large population cohorts (gnomAD); In silico analysis supports that this missense variant has a deleterious effect on protein structure/function; Has not been previously published as pathogenic or benign to our knowledge

Labcorp Genetics (formerly Invitae), Labcorp
Classification: Uncertain significance. Last evaluated: 2019-03-21. Review status: criteria provided, single submitter. Criteria: Invitae Variant Classification Sherloc (09022015). Collection method: clinical testing. Allele origin: germline.
Comment: This sequence change replaces histidine with arginine at codon 236 of the CSNK2A1 protein (p.His236Arg). The histidine residue is highly conserved and there is a small physicochemical difference between histidine and arginine. This variant is not present in population databases (ExAC no frequency). This variant has not been reported in the literature in individuals with CSNK2A1-related conditions. Algorithms developed to predict the effect of missense changes on protein structure and function are either unavailable or do not agree on the potential impact of this missense change (SIFT: "Deleterious"; PolyPhen-2: "Benign"; Align-GVGD: "Class C0"). In summary, the available evidence is currently insufficient to determine the role of this variant in disease. Therefore, it has been classified as a Variant of Uncertain Significance.

NM_177559.3(CSNK2A1):c.707A>G (p.His236Arg)

Gene: CSNK2A1 (casein kinase 2 alpha 1; minus strand). Cytogenetic location: 20p13.
Variant type: single nucleotide variant.
Coding change: c.707A>G on transcript NM_177559.3 (MANE Select); coding-DNA position 707, A replaced by G.
Protein change: p.His236Arg; replaces histidine 236 with arginine.
Molecular consequence: missense variant.
Genome position (GRCh38, 1-based): chr20:489,796, T>C on the plus strand (A>G on the coding strand, the complement: CSNK2A1 is on the minus strand). VCF-style: chr20-489796-T-C. GRCh37 (hg19) VCF-style: chr20-470440-T-C.
Other names: c.707A>G, p.His236Arg (NM_001362770.2, NM_001362771.2, NM_001895.4); c.299A>G, p.His100Arg (NM_177560.3); short protein forms H100R, H236R.
Identifiers: ClinVar variation 837706 (VCV000837706.10), dbSNP rs61730060, ClinGen allele CA310633706.